The following is an entry in ClinVar:

ClinVar aggregate classification (germline): Pathogenic (1 of 4 stars; one submission).

Conditions:
Legius syndrome. Identifiers: Orphanet 137605, MedGen C1969623, MONDO:0012669, OMIM 611431. Disease mechanism: loss of function.

Submission:

Labcorp Genetics (formerly Invitae), Labcorp
Classification: Pathogenic for Legius syndrome. Last evaluated: 2025-04-26. Review status: criteria provided, single submitter. Criteria: Invitae Variant Classification Sherloc (09022015). Collection method: clinical testing. Allele origin: germline.
Comment: This sequence change creates a premature translational stop signal (p.Leu39Thrfs*19) in the SPRED1 gene. It is expected to result in an absent or disrupted protein product. Loss-of-function variants in SPRED1 are known to be pathogenic (PMID: 17704776). This variant is not present in population databases (gnomAD no frequency). This variant has not been reported in the literature in individuals affected with SPRED1-related conditions. For these reasons, this variant has been classified as Pathogenic.

Literature cited by the submitters: PubMed 17704776.

NM_152594.3(SPRED1):c.113dup (p.Leu39fs)

Gene: SPRED1 (sprouty related EVH1 domain containing 1; plus strand). Cytogenetic location: 15q14.
Variant type: Duplication.
Coding change: c.113dup on transcript NM_152594.3 (MANE Select); coding-DNA position 113, one base duplicated (G; older notation c.113dupG).
Protein change: p.Leu39fs; shifts the reading frame from leucine 39.
Molecular consequence: frameshift variant.
Genome position (GRCh38, 1-based): chr15:38,299,453, G duplicated; the last of 2 consecutive G bases (chr15:38,299,452-38,299,453); duplicating either gives the same sequence. VCF-style (leftmost placement, unchanged base first): chr15-38299451-T-TG. GRCh37 (hg19) VCF-style: chr15-38591652-T-TG.
Other names: short protein forms L39fs.
Identifiers: ClinVar variation 4718335 (VCV004718335.1).
Genomic context (GRCh38, chr15:38,299,451, plus strand): 5'-GCGAGCTGTGGTGATGACCCGAGATGACTCAAGTGGTGGATGGTTACCACTTGGAGGGAG[T>TG]GGACTAAGCAGCGTCACTGTCTTCAAAGTCCCTCATCAGGAAGAGAATGGCTGTGCTGAC-3'